The following is an entry in ClinVar:

ClinVar aggregate classification (germline): Uncertain significance (1 of 4 stars; one submission).

Conditions:
Leukocyte adhesion deficiency 1 (LAD1). Also called: LEUKOCYTE ADHESION DEFICIENCY, TYPE I; LAD 1; Lymphocyte function-associated antigen 1 immunodeficiency; LFA 1 immunodeficiency. Identifiers: Orphanet 2968, Orphanet 99842, MedGen C0398738, MONDO:0007293, OMIM 116920.

Submission:

3billion
Classification: Uncertain significance for Leukocyte adhesion deficiency 1. Last evaluated: 2024-11-13. Review status: criteria provided, single submitter. Criteria: ACMG Guidelines, 2015. Collection method: clinical testing. Allele origin: germline. Affected: yes.
Comment: The variant is not observed in the gnomAD v4.1.0 dataset. Predicted Consequence/Location: Missense variant In silico tool predictions suggest damaging effect of the variant on gene or gene product [REVEL: 0.88 (>=0.6, sensitivity 0.68 and specificity 0.92); 3Cnet: 0.82 (>=0.6, sensitivity 0.72 and precision 0.9)]. Therefore, this variant is classified as VUS according to the recommendation of ACMG/AMP guideline.

NM_000211.5(ITGB2):c.508T>C (p.Ser170Pro)

Gene: ITGB2 (integrin subunit beta 2; minus strand). Cytogenetic location: 21q22.3.
Variant type: single nucleotide variant.
Coding change: c.508T>C on transcript NM_000211.5 (MANE Select); coding-DNA position 508, T replaced by C.
Protein change: p.Ser170Pro; replaces serine 170 with proline.
Molecular consequence: missense variant.
Genome position (GRCh38, 1-based): chr21:44,901,725, A>G on the plus strand (T>C on the coding strand, the complement: ITGB2 is on the minus strand). VCF-style: chr21-44901725-A-G. GRCh37 (hg19) VCF-style: chr21-46321640-A-G.
Other names: c.508T>C, p.Ser170Pro (NM_001127491.3); c.301T>C, p.Ser101Pro (NM_001303238.2); short protein forms S101P, S170P.
Identifiers: ClinVar variation 4292388 (VCV004292388.1).